The following is an entry in ClinVar:

ClinVar aggregate classification (germline): Likely benign (1 of 4 stars; one submission).

Submission:

CeGaT Center for Human Genetics Tuebingen
Classification: Likely benign. Last evaluated: 2024-03-01. Review status: criteria provided, single submitter. Criteria: CeGaT Center For Human Genetics Tuebingen Variant Classification Criteria Version 2. Collection method: clinical testing. Allele origin: germline. Affected: yes. Observed: 1 variant allele.
Comment: C11orf42: PM2:Supporting, BP4, BP7

NM_173525.3(C11orf42):c.552C>G (p.Leu184=)

Gene: C11orf42 (chromosome 11 open reading frame 42; plus strand). Cytogenetic location: 11p15.4.
Variant type: single nucleotide variant.
Coding change: c.552C>G on transcript NM_173525.3 (MANE Select); coding-DNA position 552, C replaced by G.
Protein change: p.Leu184=; no amino-acid change (leucine 184 retained).
Molecular consequence: synonymous variant.
Genome position (GRCh38, 1-based): chr11:6,210,329, C>G. VCF-style: chr11-6210329-C-G. GRCh37 (hg19) VCF-style: chr11-6231559-C-G.
Identifiers: ClinVar variation 3234623 (VCV003234623.20), dbSNP rs2494174521, ClinGen allele CA472905344.
Genomic context (GRCh38, chr11:6,210,329, plus strand): 5'-GGTCTTCTCTTGTTCCTGGCTGCAGCTGGGGCTGACGTCTACAGCCCGTGAGCCCCAGCT[C>G]CTCCGGCTACTTCGGTCATTACCTGTTGCCTTCTCCTGCCTCAAGTTTTCACTGCAGTCT-3'
Protein context (NP_775796.2, residues 174-194): GLTSTAREPQ[Leu184=]LRLLRSLPVA